The following is an entry in ClinVar:

ClinVar aggregate classification (germline): Uncertain significance (1 of 4 stars; one submission).

Conditions:
Retinitis pigmentosa 84 (RP84). Identifiers: MedGen C4748725, MONDO:0032604, OMIM 618220.

gnomAD v4.1: 7 of 1,614,196 alleles (0.00043%); highest among the groups gnomAD compares: South Asian, 0.0011%; no homozygotes.

Submission:

Labcorp Genetics (formerly Invitae), Labcorp
Classification: Uncertain significance. Last evaluated: 2021-08-17. Review status: criteria provided, single submitter. Criteria: Invitae Variant Classification Sherloc (09022015). Collection method: clinical testing. Allele origin: germline.
Comment: In summary, the available evidence is currently insufficient to determine the role of this variant in disease. Therefore, it has been classified as a Variant of Uncertain Significance. Algorithms developed to predict the effect of missense changes on protein structure and function (SIFT, PolyPhen-2, Align-GVGD) all suggest that this variant is likely to be disruptive, but these predictions have not been confirmed by published functional studies and their clinical significance is uncertain. This variant has not been reported in the literature in individuals with DHX38-related conditions. This variant is not present in population databases (ExAC no frequency). This sequence change replaces aspartic acid with histidine at codon 1065 of the DHX38 protein (p.Asp1065His). The aspartic acid residue is highly conserved and there is a moderate physicochemical difference between aspartic acid and histidine.

NM_014003.4(DHX38):c.3193G>C (p.Asp1065His)

Genes: DHX38 (DEAH-box helicase 38; plus strand), LOC126862391 (CDK7 strongly-dependent group 2 enhancer GRCh37_chr16:72141414-72142613; plus strand). Cytogenetic location: 16q22.2.
Variant type: single nucleotide variant.
Coding change: c.3193G>C on transcript NM_014003.4 (MANE Select); coding-DNA position 3193, G replaced by C.
Protein change: p.Asp1065His; replaces aspartic acid 1065 with histidine.
Molecular consequence: missense variant.
Genome position (GRCh38, 1-based): chr16:72,108,545, G>C. VCF-style: chr16-72108545-G-C. GRCh37 (hg19) VCF-style: chr16-72142444-G-C.
Other names: short protein forms D1065H.
Identifiers: ClinVar variation 1001576 (VCV001001576.11), dbSNP rs752923486, ClinGen allele CA283691581.